The following is an entry in ClinVar:

ClinVar aggregate classification (germline): Uncertain significance. Review status: criteria provided, multiple submitters, no conflicts (2 of 4 stars). 2 submissions from 2 submitters: Uncertain significance (2). Last evaluated 2022-09-30.

Conditions:
Ataxia-telangiectasia-like disorder (ATLD). Identifiers: MedGen C1858391, MONDO:0011457.
Hereditary cancer-predisposing syndrome. Also called: Hereditary neoplastic syndrome; Neoplastic Syndromes, Hereditary; Tumor predisposition; Hereditary Cancer Syndrome. Identifiers: Orphanet 140162, MedGen C0027672, MeSH D009386, MONDO:0015356.

Submissions (2):

Ambry Genetics
Classification: Uncertain significance for Hereditary cancer-predisposing syndrome. Last evaluated: 2022-09-30. Review status: criteria provided, single submitter. Criteria: Ambry Variant Classification Scheme 2023. Collection method: clinical testing. Allele origin: germline.
Comment: The p.R380S variant (also known as c.1138C>A), located in coding exon 10 of the MRE11A gene, results from a C to A substitution at nucleotide position 1138. The arginine at codon 380 is replaced by serine, an amino acid with dissimilar properties. This amino acid position is conserved. In addition, this alteration is predicted to be deleterious by in silico analysis. Since supporting evidence is limited at this time, the clinical significance of this alteration remains unclear.

Labcorp Genetics (formerly Invitae), Labcorp
Classification: Uncertain significance for Ataxia-telangiectasia-like disorder. Last evaluated: 2020-10-02. Review status: criteria provided, single submitter. Criteria: Invitae Variant Classification Sherloc (09022015). Collection method: clinical testing. Allele origin: germline.
Comment: This sequence change replaces arginine with serine at codon 380 of the MRE11 protein (p.Arg380Ser). The arginine residue is highly conserved and there is a moderate physicochemical difference between arginine and serine. This variant is not present in population databases (ExAC no frequency). This variant has not been reported in the literature in individuals with MRE11-related conditions. Algorithms developed to predict the effect of missense changes on protein structure and function (SIFT, PolyPhen-2, Align-GVGD) all suggest that this variant is likely to be disruptive, but these predictions have not been confirmed by published functional studies and their clinical significance is uncertain. In summary, the available evidence is currently insufficient to determine the role of this variant in disease. Therefore, it has been classified as a Variant of Uncertain Significance.

NM_005591.4(MRE11):c.1138C>A (p.Arg380Ser)

Gene: MRE11 (MRE11 double strand break repair nuclease; minus strand). Cytogenetic location: 11q21.
Variant type: single nucleotide variant.
Coding change: c.1138C>A on transcript NM_005591.4 (MANE Select); coding-DNA position 1138, C replaced by A.
Protein change: p.Arg380Ser; replaces arginine 380 with serine.
Molecular consequence: missense variant.
Genome position (GRCh38, 1-based): chr11:94,464,200, G>T on the plus strand (C>A on the coding strand, the complement: MRE11 is on the minus strand). VCF-style: chr11-94464200-G-T. GRCh37 (hg19) VCF-style: chr11-94197366-G-T.
Other names: c.1138C>A, p.Arg380Ser (NM_001330347.2, NM_005590.4); short protein forms R380S.
Identifiers: ClinVar variation 1003307 (VCV001003307.11), dbSNP rs766182900, ClinGen allele CA382372962.
Genomic context (GRCh38, chr11:94,464,200, plus strand): 5'-TGAAAAAATGGATAATGTCTTTTGGATTAGCTACCCGATCCACAAATTTCTGGCTAAAGC[G>T]AAGAACACTGAAAGGTTCAAAACCTCCACTATAGTCCACCTGAAAACACAGAATAATCTA-3'
Protein context (NP_005582.1, residues 370-390): SGGFEPFSVL[Arg380Ser]FSQKFVDRVA